The following is an entry in ClinVar:

NM_025074.7(FRAS1):c.641C>T (p.Pro214Leu)

Gene: FRAS1 (Fraser extracellular matrix complex subunit 1; plus strand). Cytogenetic location: 4q21.21.
Variant type: single nucleotide variant.
Coding change: c.641C>T on transcript NM_025074.7 (MANE Select); coding-DNA position 641, C replaced by T.
Protein change: p.Pro214Leu; replaces proline 214 with leucine.
Molecular consequence: missense variant.
Genome position (GRCh38, 1-based): chr4:78,265,062, C>T. VCF-style: chr4-78265062-C-T. GRCh37 (hg19) VCF-style: chr4-79186216-C-T.
Other names: c.641C>T, p.Pro214Leu (NM_001166133.2); short protein forms P214L.
Identifiers: ClinVar variation 349664 (VCV000349664.65), dbSNP rs200053639, ClinGen allele CA2976030.

ClinVar aggregate classification (germline): Conflicting classifications of pathogenicity. Review status: criteria provided, conflicting classifications (1 of 4 stars). 7 submissions from 7 submitters: Uncertain significance (4); Likely benign (2). 1 of the submissions does not count toward it. Last evaluated 2026-02-04.

Conditions:
FRAS1-related disorder. Also called: FRAS1-related condition.
Fraser syndrome 1 (FRASRS1). Also called: CRYPTOPHTHALMOS WITH OTHER MALFORMATIONS. Identifiers: Orphanet 2052, MedGen C4551480, MONDO:0054737, OMIM 219000.

Allele frequency attached by ClinVar (database versions not stated): 1000 Genomes Project 30x 0.00031; 1000 Genomes Project 0.00040; TOPMed 0.00068; ESP Exome Variant Server 0.00105; gnomAD 0.00107 and 0.00108; gnomAD exomes 0.00136; ExAC 0.00177.
gnomAD v4.1: 1,489 of 1,613,026 alleles (0.092%); highest among the groups gnomAD compares: Non-Finnish European, 0.1%; 3 homozygotes.

Submissions (7):

Labcorp Genetics (formerly Invitae), Labcorp
Classification: Likely benign. Last evaluated: 2026-02-04. Review status: criteria provided, single submitter. Criteria: Invitae Variant Classification Sherloc (09022015). Collection method: clinical testing. Allele origin: germline.

GeneDx
Classification: Uncertain significance. Last evaluated: 2026-01-27. Review status: criteria provided, single submitter. Criteria: GeneDx Variant Classification Process June 2021. Collection method: clinical testing. Allele origin: germline. Affected: yes.
Comment: Reported in a proband with microcephaly, developmental delay, epilepsy, growth hormone deficiency, tetraplegia, and abnormal findings on brain MRI (PMID: 34946966); In silico analysis supports that this missense variant has a deleterious effect on protein structure/function; This variant is associated with the following publications: (PMID: 34946966)

Blueprint Genetics
Classification: Likely benign. Last evaluated: 2024-11-25. Review status: criteria provided, single submitter. Criteria: ACMG Guidelines, 2015. Collection method: clinical testing. Allele origin: germline.

Illumina Laboratory Services, Illumina
Classification: Uncertain significance for Fraser syndrome 1. Last evaluated: 2018-01-13. Review status: criteria provided, single submitter. Criteria: ICSL Variant Classification Criteria 13 December 2019. Collection method: clinical testing. Allele origin: germline.

CeGaT Center for Human Genetics Tuebingen
Classification: Uncertain significance. Last evaluated: 2017-06-01. Review status: criteria provided, single submitter. Criteria: CeGaT Center For Human Genetics Tuebingen Variant Classification Criteria Version 2. Collection method: clinical testing. Allele origin: germline. Affected: yes. Observed: 1 variant allele.

Eurofins Ntd Llc (ga)
Classification: Uncertain significance. Last evaluated: 2016-12-29. Review status: criteria provided, single submitter. Criteria: EGL Classification Definitions 2015. Collection method: clinical testing. Allele origin: germline. Observed: 1 variant allele, 1 heterozygote.

PreventionGenetics, part of Exact Sciences
Classification: Benign for FRAS1-related condition. Last evaluated: 2020-07-06. Review status: no assertion criteria provided. Collection method: clinical testing. Allele origin: germline. Not counted in ClinVar's aggregate classification.
Comment: This variant is classified as benign based on ACMG/AMP sequence variant interpretation guidelines (Richards et al. 2015 PMID: 25741868, with internal and published modifications).